The following is an entry in ClinVar:

ClinVar aggregate classification (germline): Benign (1 of 4 stars; one submission).

Allele frequency attached by ClinVar (database versions not stated): gnomAD exomes 0.16759; gnomAD 0.17735 and 0.18149; TOPMed 0.17917; 1000 Genomes Project 30x 0.23610; 1000 Genomes Project 0.24062.
gnomAD v4.1: 163,507 of 959,356 alleles (17%); highest among the groups gnomAD compares: East Asian, 39%; 15,418 homozygotes.

Submission:

GeneDx
Classification: Benign. Last evaluated: 2018-06-14. Review status: criteria provided, single submitter. Criteria: GeneDx Variant Classification (06012015). Collection method: clinical testing. Allele origin: germline. Affected: yes.
Comment: This variant is considered likely benign or benign based on one or more of the following criteria: it is a conservative change, it occurs at a poorly conserved position in the protein, it is predicted to be benign by multiple in silico algorithms, and/or has population frequency not consistent with disease.

NM_032119.4(ADGRV1):c.2898+85A>G

Gene: ADGRV1 (adhesion G protein-coupled receptor V1; plus strand). Cytogenetic location: 5q14.3.
Variant type: single nucleotide variant.
Coding change: c.2898+85A>G on transcript NM_032119.4 (MANE Select); 85 bases into the intron after coding-DNA position 2898, A replaced by G.
Molecular consequence: intron variant.
Genome position (GRCh38, 1-based): chr5:90,644,954, A>G. VCF-style: chr5-90644954-A-G. GRCh37 (hg19) VCF-style: chr5-89940771-A-G.
Identifiers: ClinVar variation 670351 (VCV000670351.1), dbSNP rs16868903, ClinGen allele CA121835182.
Genomic context (GRCh38, chr5:90,644,954, plus strand): 5'-CCTTACTTGTTGTAGTTGATCAATAATTATTTTTTATTAAATAATTAAACATCTGGTAAT[A>G]TATTTTGTGATAAAAGTTTGTAATAAAGAACTCAGGTGTGACAGTGTCTGACCATAAACC-3'